The following is an entry in ClinVar:

ClinVar aggregate classification (germline): Likely benign. Review status: criteria provided, multiple submitters, no conflicts (2 of 4 stars). 2 submissions from 2 submitters: Likely benign (2). Last evaluated 2025-12-30.

Conditions:
Combined immunodeficiency due to DOCK8 deficiency (HIES2). Also called: HIES autosomal recessive; HYPER-IgE SYNDROME 2, AUTOSOMAL RECESSIVE, WITH RECURRENT INFECTIONS; DOCK8 Deficiency; Hyper-IgE recurrent infection syndrome, autosomal recessive; HYPER-IgE RECURRENT INFECTION SYNDROME 2, AUTOSOMAL RECESSIVE. Identifiers: Orphanet 217390, MedGen C4722305, MONDO:0009478, OMIM 243700.

Allele frequency attached by ClinVar (database versions not stated): gnomAD 0.00003; TOPMed 0.00004; ExAC 0.00010; 1000 Genomes Project 30x 0.00016; 1000 Genomes Project 0.00020.
gnomAD v4.1: 38 of 1,614,210 alleles (0.0024%); highest among the groups gnomAD compares: East Asian, 0.062%; no homozygotes.

Submissions (3):

Labcorp Genetics (formerly Invitae), Labcorp
Classification: Likely benign for Combined immunodeficiency due to DOCK8 deficiency. Last evaluated: 2025-12-30. Review status: criteria provided, single submitter. Criteria: Invitae Variant Classification Sherloc (09022015). Collection method: clinical testing. Allele origin: germline.

Mayo Clinic Laboratories, Mayo Clinic
Classification: Likely benign. Last evaluated: 2025-03-20. Review status: criteria provided, single submitter. Criteria: ACMG Guidelines, 2015. Collection method: clinical testing. Allele origin: germline. Observed: 1 variant allele.
Comment: BP4, BP7

Dr. Peter K. Rogan Lab, Western University
No classification provided (evidence only). Condition: Gastric cancer. Review status: no classification provided. Collection method: in vitro. Allele origin: not applicable. Functional consequence: retained intron. Not counted in ClinVar's aggregate classification.

NM_203447.4(DOCK8):c.2754A>G (p.Glu918=)

Gene: DOCK8 (dedicator of cytokinesis 8; plus strand). Cytogenetic location: 9p24.3.
Variant type: single nucleotide variant.
Coding change: c.2754A>G on transcript NM_203447.4 (MANE Select); coding-DNA position 2754, A replaced by G.
Protein change: p.Glu918=; no amino-acid change (glutamic acid 918 retained).
Molecular consequence: synonymous variant.
Genome position (GRCh38, 1-based): chr9:382,661, A>G. VCF-style: chr9-382661-A-G. GRCh37 (hg19) VCF-style: chr9-382661-A-G.
Other names: p.Glu918=; c.2550A>G, p.Glu850= (NM_001190458.2, NM_001193536.2).
Identifiers: ClinVar variation 2733744 (VCV002733744.5), dbSNP rs547455292, ClinGen allele CA4958313.